The following is an entry in ClinVar:

NM_000132.4(F8):c.5936G>T (p.Gly1979Val)

Gene: F8 (coagulation factor VIII; minus strand). Cytogenetic location: Xq28.
Variant type: single nucleotide variant.
Coding change: c.5936G>T on transcript NM_000132.4 (MANE Select); coding-DNA position 5936, G replaced by T.
Protein change: p.Gly1979Val; replaces glycine 1979 with valine.
Molecular consequence: missense variant.
Genome position (GRCh38, 1-based): chrX:154,903,968, C>A on the plus strand (G>T on the coding strand, the complement: F8 is on the minus strand). VCF-style: chrX-154903968-C-A. GRCh37 (hg19) VCF-style: chrX-154132243-C-A.
Other names: F8, GLY1960VAL; G1960V; short protein forms G1979V.
Identifiers: ClinVar variation 10298 (VCV000010298.3), dbSNP rs137852450, ClinGen allele CA255189.
Genomic context (GRCh38, chrX:154,903,968, plus strand): 5'-GGATAGAGATTGTACAGTGCCATTTTATACTCCTCTTTTTTTCGTACAGTGAACACATGT[C>A]CACTGAAATGAATAGAATGGATGTTTTCATTGCTGCCCATGCTGAGCAGATACCATCGAA-3'
Protein context (NP_000123.1, residues 1969-1989): NENIHSIHFS[Gly1979Val]HVFTVRKKEE

ClinVar aggregate classification (germline): Uncertain significance. Review status: criteria provided, single submitter (1 of 4 stars). 2 submissions from 2 submitters: Uncertain significance (1). 1 of the submissions does not count toward it. Last evaluated 2025-04-23.

Conditions:
Hereditary factor VIII deficiency disease (HEMA). Also called: HEMOPHILIA, CLASSIC; Hemophilia A; Hemophilia A, congenital; HEM A; Factor 8 deficiency, congenital; AUTOSOMAL HEMOPHILIA A. Identifiers: Orphanet 98878, MedGen C0019069, MONDO:0010602, OMIM 306700.

Allele frequency attached by ClinVar (database versions not stated): TOPMed 0.00003.

Submissions (2):

Women's Health and Genetics/Laboratory Corporation of America, LabCorp
Classification: Uncertain significance. Last evaluated: 2025-04-23. Review status: criteria provided, single submitter. Criteria: LabCorp Variant Classification Summary - May 2015. Collection method: clinical testing. Allele origin: germline.
Comment: Variant summary: F8 c.5936G>T (p.Gly1979Val) results in a non-conservative amino acid change in the encoded protein sequence. Five of five in-silico tools predict a damaging effect of the variant on protein function. The variant was absent in 183283 control chromosomes (gnomAD). The available data on variant occurrences in the general population are insufficient to allow any conclusion about variant significance. c.5936G>T has been observed in individuals affected with Factor VIII Deficiency (Hemophilia A) (Schwaab_1995, Markoff_2009). These reports do not provide unequivocal conclusions about association of the variant with Factor VIII Deficiency (Hemophilia A). To our knowledge, no experimental evidence demonstrating an impact on protein function has been reported. The following publications have been ascertained in the context of this evaluation (PMID: 19473423, 8547094). ClinVar contains an entry for this variant (Variation ID: 10298). Based on the evidence outlined above, the variant was classified as uncertain significance.

OMIM
Classification: Pathogenic for HEMOPHILIA A. Last evaluated: 1995-01-01. Review status: no assertion criteria provided. Collection method: literature only. Allele origin: germline. Not counted in ClinVar's aggregate classification.

Literature cited by the submitters: PubMed 19473423 (cited by Women's Health and Genetics/Laboratory Corporation of America, LabCorp); PubMed 8547094 (cited by Women's Health and Genetics/Laboratory Corporation of America, LabCorp); PubMed 7728145 (cited by OMIM).